The following is an entry in ClinVar:

NM_000282.4(PCCA):c.943G>A (p.Ala315Thr)

Gene: PCCA (propionyl-CoA carboxylase subunit alpha; plus strand). Cytogenetic location: 13q32.3.
Variant type: single nucleotide variant.
Coding change: c.943G>A on transcript NM_000282.4 (MANE Select); coding-DNA position 943, G replaced by A.
Protein change: p.Ala315Thr; replaces alanine 315 with threonine.
Molecular consequence: missense variant. On other transcripts: 5 prime UTR variant (3), non-coding transcript variant (5).
Genome position (GRCh38, 1-based): chr13:100,273,224, G>A. VCF-style: chr13-100273224-G-A. GRCh37 (hg19) VCF-style: chr13-100925478-G-A.
Other names: c.865G>A, p.Ala289Thr (NM_001127692.3, NM_001352607.2, NM_001352608.2); c.943G>A, p.Ala315Thr (NM_001178004.2, NM_001352605.2, NM_001352606.2 and 1 more transcripts); c.-3G>A (NM_001352610.2, NM_001352611.2, NM_001352612.2); short protein forms A289T, A315T.
Identifiers: ClinVar variation 880840 (VCV000880840.6), dbSNP rs759223615, ClinGen allele CA7033460.

ClinVar aggregate classification (germline): Uncertain significance. Review status: criteria provided, multiple submitters, no conflicts (2 of 4 stars). 2 submissions from 2 submitters: Uncertain significance (2). Last evaluated 2022-07-08.

Conditions:
Propionic acidemia (PROP). Also called: GLYCINEMIA, KETOTIC; HYPERGLYCINEMIA WITH KETOACIDOSIS AND LEUKOPENIA; KETOTIC HYPERGLYCINEMIA. Identifiers: Orphanet 35, MedGen C0268579, MONDO:0011628, OMIM 606054, HP:0003571.

Allele frequency attached by ClinVar (database versions not stated): ExAC 0.00002; TOPMed 0.00003; gnomAD 0.00004; gnomAD exomes 0.00004 and 0.00007.
gnomAD v4.1: 111 of 1,613,230 alleles (0.0069%); highest among the groups gnomAD compares: Non-Finnish European, 0.009%; no homozygotes.

Submissions (2):

Labcorp Genetics (formerly Invitae), Labcorp
Classification: Uncertain significance for Propionic acidemia. Last evaluated: 2022-07-08. Review status: criteria provided, single submitter. Criteria: Invitae Variant Classification Sherloc (09022015). Collection method: clinical testing. Allele origin: germline.
Comment: This sequence change replaces alanine, which is neutral and non-polar, with threonine, which is neutral and polar, at codon 315 of the PCCA protein (p.Ala315Thr). This variant is present in population databases (rs759223615, gnomAD 0.007%). This variant has not been reported in the literature in individuals affected with PCCA-related conditions. ClinVar contains an entry for this variant (Variation ID: 880840). Advanced modeling of protein sequence and biophysical properties (such as structural, functional, and spatial information, amino acid conservation, physicochemical variation, residue mobility, and thermodynamic stability) performed at Invitae indicates that this missense variant is expected to disrupt PCCA protein function. In summary, the available evidence is currently insufficient to determine the role of this variant in disease. Therefore, it has been classified as a Variant of Uncertain Significance.

Illumina Laboratory Services, Illumina
Classification: Uncertain significance for Propionic acidemia. Last evaluated: 2018-01-12. Review status: criteria provided, single submitter. Criteria: ICSL Variant Classification Criteria 13 December 2019. Collection method: clinical testing. Allele origin: germline.